The following is an entry in ClinVar:

ClinVar aggregate classification (germline): Uncertain significance. Review status: criteria provided, multiple submitters, no conflicts (2 of 4 stars). 2 submissions from 2 submitters: Uncertain significance (2). Last evaluated 2023-07-01.

Conditions:
Autosomal dominant hypocalcemia 1 (HYPOC1). Also called: HYPOCALCEMIA, FAMILIAL. Identifiers: MedGen C3715128, MONDO:0011013, OMIM 601198.
Familial hypocalciuric hypercalcemia (FHH). Also called: Familial benign hypercalcemia. Identifiers: Orphanet 405, MedGen C1809471, MONDO:0018458.
Nephrolithiasis/nephrocalcinosis. Identifiers: MedGen CN580796.

Allele frequency attached by ClinVar (database versions not stated): TOPMed 0.00001.
gnomAD v4.1: 1 of 1,614,210 alleles (0.000062%); highest among the groups gnomAD compares: Non-Finnish European, 0.000085%; no homozygotes.

Submissions (2):

Ambry Genetics
Classification: Uncertain significance for Nephrolithiasis/nephrocalcinosis. Last evaluated: 2023-07-01. Review status: criteria provided, single submitter. Criteria: Ambry Variant Classification Scheme 2023. Collection method: clinical testing. Allele origin: germline.
Comment: The p.T289R variant (also known as c.866C>G), located in coding exon 3 of the CASR gene, results from a C to G substitution at nucleotide position 866. The threonine at codon 289 is replaced by arginine, an amino acid with similar properties. This amino acid position is conserved. In addition, this alteration is predicted to be deleterious by in silico analysis. Since supporting evidence is limited at this time, the clinical significance of this alteration remains unclear.

Labcorp Genetics (formerly Invitae), Labcorp
Classification: Uncertain significance for Familial hypocalciuric hypercalcemia; Autosomal dominant hypocalcemia 1. Last evaluated: 2019-10-27. Review status: criteria provided, single submitter. Criteria: Invitae Variant Classification Sherloc (09022015). Collection method: clinical testing. Allele origin: germline.
Comment: In summary, the available evidence is currently insufficient to determine the role of this variant in disease. Therefore, it has been classified as a Variant of Uncertain Significance. Algorithms developed to predict the effect of sequence changes on RNA splicing suggest that this variant may create or strengthen a splice site, but this prediction has not been confirmed by published transcriptional studies. Algorithms developed to predict the effect of missense changes on protein structure and function (SIFT, PolyPhen-2, Align-GVGD) all suggest that this variant is likely to be disruptive, but these predictions have not been confirmed by published functional studies and their clinical significance is uncertain. This variant has not been reported in the literature in individuals with CASR-related conditions. This variant is not present in population databases (ExAC no frequency). This sequence change replaces threonine with arginine at codon 289 of the CASR protein (p.Thr289Arg). The threonine residue is highly conserved and there is a moderate physicochemical difference between threonine and arginine.

NM_000388.4(CASR):c.866C>G (p.Thr289Arg)

Gene: CASR (calcium sensing receptor; plus strand). Cytogenetic location: 3q21.1.
Variant type: single nucleotide variant.
Coding change: c.866C>G on transcript NM_000388.4 (MANE Select); coding-DNA position 866, C replaced by G.
Protein change: p.Thr289Arg; replaces threonine 289 with arginine.
Molecular consequence: missense variant.
Genome position (GRCh38, 1-based): chr3:122,261,901, C>G. VCF-style: chr3-122261901-C-G. GRCh37 (hg19) VCF-style: chr3-121980748-C-G.
Other names: c.866C>G, p.Thr289Arg (NM_001178065.2); short protein forms T289R.
Identifiers: ClinVar variation 951373 (VCV000951373.11), dbSNP rs755840531, ClinGen allele CA354151520.